The following is an entry in ClinVar:

ClinVar aggregate classification (germline): Benign (0 of 4 stars; one submission).

Conditions:
ZMYM6-related disorder. Also called: ZMYM6-related condition.

Allele frequency attached by ClinVar (database versions not stated): 1000 Genomes Project 0.00040; 1000 Genomes Project 30x 0.00047; gnomAD 0.00194; TOPMed 0.00209; ExAC 0.00216; ESP Exome Variant Server 0.00312; gnomAD exomes 0.00320.
gnomAD v4.1: 4,689 of 1,543,778 alleles (0.3%); highest among the groups gnomAD compares: Non-Finnish European, 0.38%; 11 homozygotes.

Submission:

PreventionGenetics, part of Exact Sciences
Classification: Benign for ZMYM6-related condition. Last evaluated: 2019-02-28. Review status: no assertion criteria provided. Collection method: clinical testing. Allele origin: germline.
Comment: This variant is classified as benign based on ACMG/AMP sequence variant interpretation guidelines (Richards et al. 2015 PMID: 25741868, with internal and published modifications).

NM_007167.4(ZMYM6):c.*3A>G

Gene: ZMYM6 (zinc finger MYM-type containing 6; minus strand). Cytogenetic location: 1p34.3.
Variant type: single nucleotide variant.
Coding change: c.*3A>G on transcript NM_007167.4 (MANE Select); 3 bases downstream of the stop codon, A replaced by G.
Molecular consequence: 3 prime UTR variant.
Genome position (GRCh38, 1-based): chr1:34,987,101, T>C on the plus strand (A>G on the coding strand, the complement: ZMYM6 is on the minus strand). VCF-style: chr1-34987101-T-C. GRCh37 (hg19) VCF-style: chr1-35452702-T-C.
Identifiers: ClinVar variation 3044803 (VCV003044803.2), dbSNP rs200114922, ClinGen allele CA756156.
Genomic context (GRCh38, chr1:34,987,101, plus strand): 5'-AGGATACTTATACAAAACTTAACACAGGATTATTGACTTCACTGTTAAGCAATGTGCATA[T>C]TGCTACTCTTTCTCCTTCACTAATTTTTCTATCCTTGGAATTAAAGATGTGACTGCAAGT-3'